The following is an entry in ClinVar:

ClinVar aggregate classification (germline): Conflicting classifications of pathogenicity. Review status: criteria provided, conflicting classifications (1 of 4 stars). 2 submissions from 2 submitters: Likely pathogenic (1); Uncertain significance (1). Last evaluated 2026-02-25.

Conditions:
Autosomal recessive limb-girdle muscular dystrophy type 2D (LGMDR3). Also called: MUSCULAR DYSTROPHY, LIMB-GIRDLE, AUTOSOMAL RECESSIVE 3; ADHALINOPATHY, PRIMARY; DUCHENNE-LIKE AUTOSOMAL RECESSIVE MUSCULAR DYSTROPHY, TYPE 2. Identifiers: Orphanet 62, MedGen C2936332, MONDO:0011968, OMIM 608099. Disease mechanism: Affects gamma-sarcoglycan and also disrupts the integrity of the entire sarcoglycan complex..

Allele frequency attached by ClinVar (database versions not stated): gnomAD exomes below 0.00001.

Submissions (2):

Myriad Genetics, Inc.
Classification: Uncertain significance for Autosomal recessive limb-girdle muscular dystrophy type 2D. Last evaluated: 2026-02-25. Review status: criteria provided, single submitter. Criteria: Myriad Autosomal Dominant, Autosomal Recessive and X-Linked Classification Criteria (2023). Collection method: clinical testing. Allele origin: unknown.
Comment: NM_000023.2(SGCA):c.86A>T(H29L) is a missense variant classified as a variant of uncertain significance in the context of alpha-sarcoglycanopathy. H29L has been observed in a case with relevant disease (PMID: 32140910). Relevant functional assessments of this variant are not available in the literature. H29L has been observed in referenced population frequency databases. In summary, there is insufficient evidence to classify NM_000023.2(SGCA):c.86A>T(H29L) as pathogenic or benign. Please note: this variant was assessed in the context of healthy population screening.

Genetic Diseases Diagnostic Center, Koc University Hospital
Classification: Likely pathogenic for Autosomal recessive limb-girdle muscular dystrophy type 2D. Last evaluated: 2018-12-18. Review status: criteria provided, single submitter. Criteria: ACMG Guidelines, 2015. Collection method: clinical testing. Allele origin: germline. Inheritance: Autosomal recessive inheritance. Affected: yes.

Literature cited by the submitters: PubMed 32140910 (cited by Myriad Genetics, Inc.).

NM_000023.4(SGCA):c.86A>T (p.His29Leu)

Gene: SGCA (sarcoglycan alpha; plus strand). Cytogenetic location: 17q21.33.
Variant type: single nucleotide variant.
Coding change: c.86A>T on transcript NM_000023.4 (MANE Select); coding-DNA position 86, A replaced by T.
Protein change: p.His29Leu; replaces histidine 29 with leucine.
Molecular consequence: missense variant. On other transcripts: non-coding transcript variant (1).
Genome position (GRCh38, 1-based): chr17:50,167,416, A>T. VCF-style: chr17-50167416-A-T. GRCh37 (hg19) VCF-style: chr17-48244777-A-T.
Other names: c.86A>T, p.His29Leu (NM_001135697.3); short protein forms H29L.
Identifiers: ClinVar variation 617535 (VCV000617535.3), dbSNP rs1387802849, ClinGen allele CA400176566.